The following is an entry in ClinVar:

NM_005559.4(LAMA1):c.540G>T (p.Val180=)

Gene: LAMA1 (laminin subunit alpha 1; minus strand). Cytogenetic location: 18p11.31.
Variant type: single nucleotide variant.
Coding change: c.540G>T on transcript NM_005559.4 (MANE Select); coding-DNA position 540, G replaced by T.
Protein change: p.Val180=; no amino-acid change (valine 180 retained).
Molecular consequence: synonymous variant.
Genome position (GRCh38, 1-based): chr18:7,050,742, C>A on the plus strand (G>T on the coding strand, the complement: LAMA1 is on the minus strand). VCF-style: chr18-7050742-C-A. GRCh37 (hg19) VCF-style: chr18-7050741-C-A.
Identifiers: ClinVar variation 4822429 (VCV004822429.4).

ClinVar aggregate classification (germline): Likely benign (1 of 4 stars; one submission).

gnomAD v4.1: 31 of 1,613,986 alleles (0.0019%); highest among the groups gnomAD compares: Non-Finnish European, 0.0023%; no homozygotes.

Submission:

CeGaT Center for Human Genetics Tuebingen
Classification: Likely benign. Last evaluated: 2026-01-01. Review status: criteria provided, single submitter. Criteria: CeGaT Center For Human Genetics Tuebingen Variant Classification Criteria Version 2. Collection method: clinical testing. Allele origin: germline. Affected: yes. Observed: 1 variant allele.
Comment: LAMA1: BP4, BP7